The following is an entry in ClinVar:

ClinVar aggregate classification (germline): Uncertain significance. Review status: criteria provided, multiple submitters, no conflicts (2 of 4 stars). 2 submissions from 2 submitters: Uncertain significance (2). Last evaluated 2022-08-31.

Conditions:
Nephronophthisis 15 (NPHP15). Identifiers: Orphanet 3156, MedGen C3541853, MONDO:0013917, OMIM 614845.

Allele frequency attached by ClinVar (database versions not stated): gnomAD exomes below 0.00001 and 0.00001; ExAC 0.00001; gnomAD 0.00001; TOPMed 0.00002.
gnomAD v4.1: 6 of 1,613,860 alleles (0.00037%); highest among the groups gnomAD compares: Admixed American, 0.0033%; no homozygotes.

Submissions (2):

Labcorp Genetics (formerly Invitae), Labcorp
Classification: Uncertain significance for Nephronophthisis 15. Last evaluated: 2022-08-31. Review status: criteria provided, single submitter. Criteria: Invitae Variant Classification Sherloc (09022015). Collection method: clinical testing. Allele origin: germline.
Comment: This sequence change replaces histidine, which is basic and polar, with arginine, which is basic and polar, at codon 409 of the CEP164 protein (p.His409Arg). This variant is present in population databases (rs747489061, gnomAD 0.003%). This variant has not been reported in the literature in individuals affected with CEP164-related conditions. ClinVar contains an entry for this variant (Variation ID: 1009771). Algorithms developed to predict the effect of missense changes on protein structure and function output the following: SIFT: "Tolerated"; PolyPhen-2: "Benign"; Align-GVGD: "Class C0". The arginine amino acid residue is found in multiple mammalian species, which suggests that this missense change does not adversely affect protein function. In summary, the available evidence is currently insufficient to determine the role of this variant in disease. Therefore, it has been classified as a Variant of Uncertain Significance.

Fulgent Genetics
Classification: Uncertain significance for Nephronophthisis 15. Last evaluated: 2022-02-08. Review status: criteria provided, single submitter. Criteria: ACMG Guidelines, 2015. Collection method: clinical testing. Allele origin: unknown.

NM_014956.5(CEP164):c.1226A>G (p.His409Arg)

Gene: CEP164 (centrosomal protein 164; plus strand). Cytogenetic location: 11q23.3.
Variant type: single nucleotide variant.
Coding change: c.1226A>G on transcript NM_014956.5 (MANE Select); coding-DNA position 1226, A replaced by G.
Protein change: p.His409Arg; replaces histidine 409 with arginine.
Molecular consequence: missense variant.
Genome position (GRCh38, 1-based): chr11:117,373,824, A>G. VCF-style: chr11-117373824-A-G. GRCh37 (hg19) VCF-style: chr11-117244540-A-G.
Other names: c.1226A>G, p.His409Arg (NM_001271933.2); short protein forms H409R.
Identifiers: ClinVar variation 1009771 (VCV001009771.5), dbSNP rs747489061, ClinGen allele CA6294675.